The following is an entry in ClinVar:

NM_002778.4(PSAP):c.375+2T>G

Gene: PSAP (prosaposin; minus strand). Cytogenetic location: 10q22.1.
Variant type: single nucleotide variant.
Coding change: c.375+2T>G on transcript NM_002778.4 (MANE Select); the canonical splice donor site of the intron after coding-DNA position 375, T replaced by G.
Molecular consequence: splice donor variant.
Genome position (GRCh38, 1-based): chr10:71,831,124, A>C on the plus strand (T>G on the coding strand, the complement: PSAP is on the minus strand). VCF-style: chr10-71831124-A-C. GRCh37 (hg19) VCF-style: chr10-73590881-A-C.
Other names: c.375+2T>G (NM_001042466.3, NM_001042465.3).
Identifiers: ClinVar variation 2773195 (VCV002773195.3), dbSNP rs2494532805, ClinGen allele CA377153376.
Genomic context (GRCh38, chr10:71,831,124, plus strand): 5'-GCCACTGCCTCTCCTGGGCCCCAGAAGCACCTTCAAGGAAAAGCCTATTCCCCATCACTT[A>C]CCATTTCTCCTTTAATGATGTCCAGGATGACAGGGAGGTAGGAGTCCACTATCTCCTTGC-3'

ClinVar aggregate classification (germline): Likely pathogenic (1 of 4 stars; one submission).

Conditions:
Sphingolipid activator protein 1 deficiency. Also called: Saposin B Deficiency; Metachromatic leukodystrophy due to saposin B deficiency; METACHROMATIC LEUKODYSTROPHY DUE TO CEREBROSIDE SULFATASE ACTIVATOR DEFICIENCY. Identifiers: Orphanet 512, MedGen C0268262, MONDO:0009590, OMIM 249900.

Submission:

Labcorp Genetics (formerly Invitae), Labcorp
Classification: Likely pathogenic for Sphingolipid activator protein 1 deficiency. Last evaluated: 2023-11-01. Review status: criteria provided, single submitter. Criteria: Invitae Variant Classification Sherloc (09022015). Collection method: clinical testing. Allele origin: germline.
Comment: This sequence change affects a donor splice site in intron 4 of the PSAP gene. It is expected to disrupt RNA splicing. Variants that disrupt the donor or acceptor splice site typically lead to a loss of protein function (PMID: 16199547), and loss-of-function variants in PSAP are known to be pathogenic (PMID: 8554069, 11309366, 17616409, 19267410, 30632081). This variant is not present in population databases (gnomAD no frequency). This variant has not been reported in the literature in individuals affected with PSAP-related conditions. Algorithms developed to predict the effect of sequence changes on RNA splicing suggest that this variant may disrupt the consensus splice site. In summary, the currently available evidence indicates that the variant is pathogenic, but additional data are needed to prove that conclusively. Therefore, this variant has been classified as Likely Pathogenic.

Literature cited by the submitters: PubMed 16199547; PubMed 8554069; PubMed 11309366; PubMed 17616409; PubMed 19267410; PubMed 30632081.